The following is an entry in ClinVar:

ClinVar aggregate classification (germline): Uncertain significance (1 of 4 stars; one submission).

Conditions:
Inborn genetic diseases. Identifiers: MedGen C0950123, MeSH D030342.

gnomAD v4.1: 1 of 1,590,420 alleles (0.000063%); highest among the groups gnomAD compares: African/African-American, 0.0013%; no homozygotes.

Submission:

Ambry Genetics
Classification: Uncertain significance for Inborn genetic diseases. Last evaluated: 2025-09-28. Review status: criteria provided, single submitter. Criteria: Ambry Variant Classification Scheme 2023. Collection method: clinical testing. Allele origin: germline.
Comment: The c.1346G>C (p.C449S) alteration is located in exon 14 (coding exon 14) of the KCNT2 gene. This alteration results from a G to C substitution at nucleotide position 1346, causing the cysteine (C) at amino acid position 449 to be replaced by a serine (S). Based on data from gnomAD, the C allele has an overall frequency of <0.001% (1/249632) total alleles studied. The highest observed frequency was 0.006% (1/16160) of African alleles. Based on insufficient or conflicting evidence, the clinical significance of this alteration remains unclear.

NM_198503.5(KCNT2):c.1346G>C (p.Cys449Ser)

Gene: KCNT2 (potassium sodium-activated channel subfamily T member 2; minus strand). Cytogenetic location: 1q31.3.
Variant type: single nucleotide variant.
Coding change: c.1346G>C on transcript NM_198503.5 (MANE Select); coding-DNA position 1346, G replaced by C.
Protein change: p.Cys449Ser; replaces cysteine 449 with serine.
Molecular consequence: missense variant. On other transcripts: non-coding transcript variant (1).
Genome position (GRCh38, 1-based): chr1:196,373,197, C>G on the plus strand (G>C on the coding strand, the complement: KCNT2 is on the minus strand). VCF-style: chr1-196373197-C-G. GRCh37 (hg19) VCF-style: chr1-196342327-C-G.
Other names: c.1346G>C, p.Cys449Ser (NM_001287819.3, NM_001287820.3); short protein forms C449S.
Identifiers: ClinVar variation 4622590 (VCV004622590.1).